The following is an entry in ClinVar:

ClinVar aggregate classification (germline): Uncertain significance (1 of 4 stars; one submission).

Conditions:
PURA-related severe neonatal hypotonia-seizures-encephalopathy syndrome (NEDRIHF). Also called: PURA-Related Neurodevelopmental Disorders; NEURODEVELOPMENTAL DISORDER WITH NEONATAL RESPIRATORY INSUFFICIENCY, HYPOTONIA, AND FEEDING DIFFICULTIES. Identifiers: Orphanet 438213, Orphanet 438216, MedGen C4015357, MONDO:1060108, OMIM 616158, MONDO:0018580.

Submission:

Labcorp Genetics (formerly Invitae), Labcorp
Classification: Uncertain significance for PURA-related severe neonatal hypotonia-seizures-encephalopathy syndrome. Last evaluated: 2022-10-05. Review status: criteria provided, single submitter. Criteria: Invitae Variant Classification Sherloc (09022015). Collection method: clinical testing. Allele origin: germline.
Comment: In summary, the available evidence is currently insufficient to determine the role of this variant in disease. Therefore, it has been classified as a Variant of Uncertain Significance. Experimental studies and prediction algorithms are not available or were not evaluated, and the functional significance of this variant is currently unknown. This variant has not been reported in the literature in individuals affected with PURA-related conditions. This variant is not present in population databases (gnomAD no frequency). This variant, c.203_211del, results in the deletion of 3 amino acid(s) of the PURA protein (p.Ile68_Asn70del), but otherwise preserves the integrity of the reading frame.

NM_005859.5(PURA):c.203_211del (p.Ile68_Asn70del)

Gene: PURA (purine rich element binding protein A; plus strand). Cytogenetic location: 5q31.3.
Variant type: Deletion.
Coding change: c.203_211del on transcript NM_005859.5 (MANE Select); coding-DNA positions 203 to 211, 9 bases deleted (TCCAGAACA; older notation c.203_211delTCCAGAACA).
Protein change: p.Ile68_Asn70del.
Molecular consequence: inframe deletion.
Genome position (GRCh38, 1-based): chr5:140,114,384-140,114,392, TCCAGAACA deleted; deleting any 9 consecutive bases within chr5:140,114,381-140,114,392 gives the same sequence; the c. name uses the placement nearest the transcript's 3' end. VCF-style (leftmost placement, unchanged base first): chr5-140114380-GACATCCAGA-G. GRCh37 (hg19) VCF-style: chr5-139493965-GACATCCAGA-G.
Identifiers: ClinVar variation 2034267 (VCV002034267.4), dbSNP rs2479504490, ClinGen allele CA2580072960.
Genomic context (GRCh38, chr5:140,114,380, plus strand): 5'-GGCGGCGGGGCCCCAGGGGGGCTGCAGCACGAGACGCAGGAGCTGGCCTCCAAGCGGGTG[GACATCCAGA>G]ACAAGCGCTTCTACCTGGACGTGAAGCAGAACGCCAAGGGCCGCTTCCTGAAGATCGCCG-3'